The following is an entry in ClinVar:

ClinVar aggregate classification (germline): Uncertain significance (1 of 4 stars; one submission).

Submission:

Labcorp Genetics (formerly Invitae), Labcorp
Classification: Uncertain significance. Last evaluated: 2023-03-24. Review status: criteria provided, single submitter. Criteria: Invitae Variant Classification Sherloc (09022015). Collection method: clinical testing. Allele origin: germline.
Comment: This sequence change creates a premature translational stop signal (p.Pro396Leufs*3) in the PLEKHM2 gene. It is expected to result in an absent or disrupted protein product. However, the current clinical and genetic evidence is not sufficient to establish whether loss-of-function variants in PLEKHM2 cause disease. This variant is not present in population databases (gnomAD no frequency). This variant has not been reported in the literature in individuals affected with PLEKHM2-related conditions. In summary, the available evidence is currently insufficient to determine the role of this variant in disease. Therefore, it has been classified as a Variant of Uncertain Significance.

NM_015164.4(PLEKHM2):c.1187del (p.Pro396fs)

Gene: PLEKHM2 (pleckstrin homology and RUN domain containing M2; plus strand). Cytogenetic location: 1p36.21.
Variant type: Deletion.
Coding change: c.1187del on transcript NM_015164.4 (MANE Select); coding-DNA position 1187, one base deleted (C; older notation c.1187delC).
Protein change: p.Pro396fs; shifts the reading frame from proline 396.
Molecular consequence: frameshift variant.
Genome position (GRCh38, 1-based): chr1:15,727,259, C deleted; the last of 3 consecutive C bases (chr1:15,727,257-15,727,259); deleting any one gives the same sequence. VCF-style (leftmost placement, unchanged base first): chr1-15727256-TC-T. GRCh37 (hg19) VCF-style: chr1-16053751-TC-T.
Other names: c.1127del, p.Pro376fs (NM_001410755.1); short protein forms P396fs, P376fs.
Identifiers: ClinVar variation 2849035 (VCV002849035.3), dbSNP rs2522442629, ClinGen allele CA2739272317.